The following is an entry in ClinVar:

NM_201384.3(PLEC):c.7471C>G (p.Leu2491Val)

Gene: PLEC (plectin; minus strand). Cytogenetic location: 8q24.3.
Variant type: single nucleotide variant.
Coding change: c.7471C>G on transcript NM_201384.3 (MANE Select); coding-DNA position 7471, C replaced by G.
Protein change: p.Leu2491Val; replaces leucine 2491 with valine.
Molecular consequence: missense variant.
Genome position (GRCh38, 1-based): chr8:143,922,350, G>C on the plus strand (C>G on the coding strand, the complement: PLEC is on the minus strand). VCF-style: chr8-143922350-G-C. GRCh37 (hg19) VCF-style: chr8-144996518-G-C.
Other names: c.7552C>G, p.Leu2518Val (NM_000445.5); c.7429C>G, p.Leu2477Val (NM_201378.4); c.7405C>G, p.Leu2469Val (NM_201379.3); c.7882C>G, p.Leu2628Val (NM_201380.4); c.7375C>G, p.Leu2459Val (NM_201381.3); c.7471C>G, p.Leu2491Val (NM_201382.4); c.7483C>G, p.Leu2495Val (NM_201383.3); short protein forms L2459V, L2469V, L2477V, L2628V, L2491V, L2495V, L2518V.
Identifiers: ClinVar variation 1437342 (VCV001437342.6), dbSNP rs781827548, ClinGen allele CA372525136.

ClinVar aggregate classification (germline): Uncertain significance (1 of 4 stars; one submission).

Conditions:
Epidermolysis bullosa simplex 5B, with muscular dystrophy (EBS5B). Also called: EPIDERMOLYSIS BULLOSA SIMPLEX AND LIMB-GIRDLE MUSCULAR DYSTROPHY; Epidermolysis bullosa simplex with muscular dystrophy. Identifiers: Orphanet 257, MedGen C2931072, MONDO:0009181, OMIM 226670.
Epidermolysis bullosa simplex 5C, with pyloric atresia (EBS5C). Also called: Epidermolysis bullosa simplex with pyloric atresia; PLEC-Related Epidermolysis Bullosa with Pyloric Atresia; PLEC1-Related Epidermolysis Bullosa with Pyloric Atresia. Identifiers: Orphanet 158684, MedGen C2677349, MONDO:0012807, OMIM 612138.
Autosomal recessive limb-girdle muscular dystrophy type 2Q (LGMDR17). Also called: MUSCULAR DYSTROPHY, LIMB-GIRDLE, AUTOSOMAL RECESSIVE 17. Identifiers: Orphanet 254361, MedGen C3150989, MONDO:0013390, OMIM 613723.
Epidermolysis bullosa simplex with nail dystrophy (EBS5D). Identifiers: MedGen C4225309, MONDO:0014661, OMIM 616487.
Epidermolysis bullosa simplex, Ogna type (EBS5A). Also called: Pidermolysis bullosa simplex 5A, Ogna type; EPIDERMOLYSIS BULLOSA SIMPLEX 5A, OGNA TYPE. Identifiers: Orphanet 79401, MedGen C0432317, MONDO:0007555, OMIM 131950.

Submission:

Labcorp Genetics (formerly Invitae), Labcorp
Classification: Uncertain significance for Autosomal recessive limb-girdle muscular dystrophy type 2Q; Epidermolysis bullosa simplex, Ogna type; Epidermolysis bullosa simplex with nail dystrophy; Epidermolysis bullosa simplex 5C, with pyloric atresia; Epidermolysis bullosa simplex 5B, with muscular dystrophy. Last evaluated: 2021-08-11. Review status: criteria provided, single submitter. Criteria: Invitae Variant Classification Sherloc (09022015). Collection method: clinical testing. Allele origin: germline.
Comment: This sequence change replaces leucine with valine at codon 2518 of the PLEC protein (p.Leu2518Val). The leucine residue is highly conserved and there is a small physicochemical difference between leucine and valine. This variant is not present in population databases (ExAC no frequency). This variant has not been reported in the literature in individuals affected with PLEC-related conditions. Algorithms developed to predict the effect of missense changes on protein structure and function (SIFT, PolyPhen-2, Align-GVGD) all suggest that this variant is likely to be disruptive. In summary, the available evidence is currently insufficient to determine the role of this variant in disease. Therefore, it has been classified as a Variant of Uncertain Significance.